The following is an entry in ClinVar:

NM_000277.3(PAH):c.169-3T>G

Gene: PAH (phenylalanine hydroxylase; minus strand). Cytogenetic location: 12q23.2.
Variant type: single nucleotide variant.
Coding change: c.169-3T>G on transcript NM_000277.3 (MANE Select); 3 bases into the intron before coding-DNA position 169, T replaced by G.
Molecular consequence: intron variant.
Genome position (GRCh38, 1-based): chr12:102,894,921, A>C on the plus strand (T>G on the coding strand, the complement: PAH is on the minus strand). VCF-style: chr12-102894921-A-C. GRCh37 (hg19) VCF-style: chr12-103288699-A-C.
Other names: c.169-3T>G (NM_001354304.2).
Identifiers: ClinVar variation 1311491 (VCV001311491.2), dbSNP rs1877439666, ClinGen allele CA2573053588.

ClinVar aggregate classification (germline): Uncertain significance (1 of 4 stars; one submission).

Submission:

GeneDx
Classification: Uncertain significance. Last evaluated: 2019-12-16. Review status: criteria provided, single submitter. Criteria: GeneDx Variant Classification Process June 2021. Collection method: clinical testing. Allele origin: germline. Affected: yes.
Comment: Not observed in large population cohorts (Lek et al., 2016); Has not been previously published as pathogenic or benign to our knowledge; In silico analysis, which includes splice predictors and evolutionary conservation, suggests this variant may impact gene splicing. In the absence of RNA/functional studies, the actual effect of this sequence change is unknown.